The following is an entry in ClinVar:

ClinVar aggregate classification (germline): Uncertain significance. Review status: criteria provided, multiple submitters, no conflicts (2 of 4 stars). 2 submissions from 2 submitters: Uncertain significance (2). Last evaluated 2025-12-10.

Conditions:
Hereditary cancer-predisposing syndrome. Also called: Neoplastic Syndromes, Hereditary; Tumor predisposition; Hereditary Cancer Syndrome; Hereditary neoplastic syndrome. Identifiers: Orphanet 140162, MedGen C0027672, MeSH D009386, MONDO:0015356.

Submissions (2):

Ambry Genetics
Classification: Uncertain significance for Hereditary cancer-predisposing syndrome. Last evaluated: 2025-12-10. Review status: criteria provided, single submitter. Criteria: Ambry Variant Classification Scheme 2023. Collection method: clinical testing. Allele origin: germline.
Comment: The p.M2267I variant (also known as c.6801G>A), located in coding exon 49 of the POLE gene, results from a G to A substitution at nucleotide position 6801. The methionine at codon 2267 is replaced by isoleucine, an amino acid with highly similar properties. This amino acid position is conserved. In addition, the in silico prediction for this alteration is inconclusive. Based on the available evidence, the clinical significance of this variant remains unclear.

Labcorp Genetics (formerly Invitae), Labcorp
Classification: Uncertain significance. Last evaluated: 2025-11-09. Review status: criteria provided, single submitter. Criteria: Invitae Variant Classification Sherloc (09022015). Collection method: clinical testing. Allele origin: germline.
Comment: This sequence change replaces methionine, which is neutral and non-polar, with isoleucine, which is neutral and non-polar, at codon 2267 of the POLE protein (p.Met2267Ile). This variant is not present in population databases (gnomAD no frequency). This variant has not been reported in the literature in individuals affected with POLE-related conditions. ClinVar contains an entry for this variant (Variation ID: 2713001). Invitae Evidence Modeling of protein sequence and biophysical properties (such as structural, functional, and spatial information, amino acid conservation, physicochemical variation, residue mobility, and thermodynamic stability) indicates that this missense variant is expected to disrupt POLE protein function with a positive predictive value of 80%. In summary, the available evidence is currently insufficient to determine the role of this variant in disease. Therefore, it has been classified as a Variant of Uncertain Significance.

NM_006231.4(POLE):c.6801G>A (p.Met2267Ile)

Gene: POLE (DNA polymerase epsilon, catalytic subunit; minus strand). Cytogenetic location: 12q24.33.
Variant type: single nucleotide variant.
Coding change: c.6801G>A on transcript NM_006231.4 (MANE Select); coding-DNA position 6801, G replaced by A.
Protein change: p.Met2267Ile; replaces methionine 2267 with isoleucine.
Molecular consequence: missense variant.
Genome position (GRCh38, 1-based): chr12:132,624,757, C>T on the plus strand (G>A on the coding strand, the complement: POLE is on the minus strand). VCF-style: chr12-132624757-C-T. GRCh37 (hg19) VCF-style: chr12-133201343-C-T.
Other names: c.6801G>A (NM_006231.2); short protein forms M2267I.
Identifiers: ClinVar variation 2713001 (VCV002713001.4), dbSNP rs1555300726, ClinGen allele CA387365747.